The following is an entry in ClinVar:

NC_012920.1(MT-ND5):m.12556A>G

Gene: MT-ND5 (mitochondrially encoded NADH dehydrogenase 5; plus strand).
Variant type: single nucleotide variant.
Genome position: chrM-12556-A-G.
Identifiers: ClinVar variation 693462 (VCV000693462.1), dbSNP rs1603223805, ClinGen allele CA414813742.

ClinVar aggregate classification (germline): Uncertain significance (1 of 4 stars; one submission).

Conditions:
Leigh syndrome (NULS). Also called: Leigh's necrotizing encephalopathy; Leigh's disease; Leigh Syndrome (mtDNA deletion); Leigh Disease; Subacute necrotizing encephalopathy; Necrotizing encephalopathy infantile subacute of Leigh. Identifiers: Orphanet 506, MedGen C2931891, MONDO:0009723, OMIM 256000.

Submission:

Wong Mito Lab, Molecular and Human Genetics, Baylor College of Medicine
Classification: Uncertain significance for Leigh syndrome. Last evaluated: 2019-10-17. Review status: criteria provided, single submitter. Criteria: Modified ACMG Guidelines (Unpublished). Collection method: clinical testing. Allele origin: germline.
Comment: The NC_012920.1:m.12556A>G (YP_003024036.1:p.Thr74Ala) variant in MTND5 gene is interpretated to be a Uncertain Significance variant based on the modified ACMG guidelines (unpublished). This variant meets the following evidence codes: PP6, BP4